The following is an entry in ClinVar:

ClinVar aggregate classification (germline): Uncertain significance (1 of 4 stars; one submission).

Submission:

Labcorp Genetics (formerly Invitae), Labcorp
Classification: Uncertain significance. Last evaluated: 2022-07-03. Review status: criteria provided, single submitter. Criteria: Invitae Variant Classification Sherloc (09022015). Collection method: clinical testing. Allele origin: germline.
Comment: This variant is present in population databases (no rsID available, gnomAD 0.01%). This sequence change creates a premature translational stop signal (p.His42Thrfs*26) in the TOPORS gene. While this is not anticipated to result in nonsense mediated decay, it is expected to disrupt the last 1004 amino acid(s) of the TOPORS protein. This variant has not been reported in the literature in individuals affected with TOPORS-related conditions. In summary, the available evidence is currently insufficient to determine the role of this variant in disease. Therefore, it has been classified as a Variant of Uncertain Significance.

NM_005802.5(TOPORS):c.124del (p.His42fs)

Gene: TOPORS (TOP1 binding arginine/serine rich protein, E3 ubiquitin ligase; minus strand). Cytogenetic location: 9p21.1.
Variant type: Deletion.
Coding change: c.124del on transcript NM_005802.5 (MANE Select); coding-DNA position 124, one base deleted (C; older notation c.124delC).
Protein change: p.His42fs; shifts the reading frame from histidine 42.
Molecular consequence: frameshift variant. On other transcripts: intron variant (1).
Genome position (GRCh38, 1-based): chr9:32,550,848, G deleted on the plus strand (C on the coding strand, the reverse complement: TOPORS is on the minus strand). VCF-style (leftmost placement, unchanged base first): chr9-32550847-TG-T. GRCh37 (hg19) VCF-style: chr9-32550845-TG-T.
Other names: c.3+1586del (NM_001195622.2); short protein forms H42fs.
Identifiers: ClinVar variation 2009863 (VCV002009863.4), dbSNP rs1216086465, ClinGen allele CA587156188.